The following is an entry in ClinVar:

NM_014336.5(AIPL1):c.971G>A (p.Arg324Gln)

Gene: AIPL1 (AIP like 1 HSP90 co-chaperone; minus strand). Cytogenetic location: 17p13.2.
Variant type: single nucleotide variant.
Coding change: c.971G>A on transcript NM_014336.5 (MANE Select); coding-DNA position 971, G replaced by A.
Protein change: p.Arg324Gln; replaces arginine 324 with glutamine.
Molecular consequence: missense variant. On other transcripts: 3 prime UTR variant (1).
Genome position (GRCh38, 1-based): chr17:6,425,644, C>T on the plus strand (G>A on the coding strand, the complement: AIPL1 is on the minus strand). VCF-style: chr17-6425644-C-T. GRCh37 (hg19) VCF-style: chr17-6328964-C-T.
Other names: c.971G>A (NM_014336.4); c.782G>A, p.Arg261Gln (NM_001033054.3); c.791G>A, p.Arg264Gln (NM_001033055.3); c.935G>A, p.Arg312Gln (NM_001285399.3); c.905G>A, p.Arg302Gln (NM_001285400.3); c.899G>A, p.Arg300Gln (NM_001285401.3); c.854G>A, p.Arg285Gln (NM_001285402.2); c.*942G>A (NM_001285403.4); short protein forms R324Q, R285Q, R264Q, R302Q, R312Q, R261Q, R300Q.
Identifiers: ClinVar variation 4932918 (VCV004932918.2).
Genomic context (GRCh38, chr17:6,425,644, plus strand): 5'-GCGGGTGGCTCTGTGGGTGGCTCTGCGGGAGGCTGCGTGGCACCCTGGCTCAGCATGTTC[C>T]GGCAGCGCAGCCGCTCCTCCTCCTGCTTCTCCGCCATGCGGTTCTCCAGCAGCCTCAGCT-3'
Protein context (NP_055151.3, residues 314-334): EKQEEERLRC[Arg324Gln]NMLSQGATQP

ClinVar aggregate classification (germline): Conflicting classifications of pathogenicity. Review status: criteria provided, conflicting classifications (1 of 4 stars). 2 submissions from 2 submitters: Uncertain significance (1); Likely benign (1). Last evaluated 2026-04-09.

Conditions:
AIPL1-related disorder. Also called: AIPL1-related disorders; AIPL1-related condition. Identifiers: MedGen CN239169.

Submissions (2):

PreventionGenetics, part of Exact Sciences
Classification: Uncertain significance for AIPL1-related condition. Last evaluated: 2026-04-09. Review status: criteria provided, single submitter. Criteria: ACMG Guidelines, 2015. Collection method: clinical testing. Allele origin: germline.
Comment: The AIPL1 c.971G>A variant is predicted to result in the amino acid substitution p.Arg324Gln. This variant has been reported in individuals with inherited retinal disease; however, in both cases, additional potentially causative variants were also present; In one individual, biallelic variants in RPE65 were also identified (Wiszniewski et al. 2011. PubMed ID: 21153841) a second had a variant in CRX (McGowan et al. 2020. PubMed ID: 32579692). This variant is reported in 0.020% of alleles in individuals of South Asian descent in gnomAD. At this time, the clinical significance of this variant is uncertain due to the absence of conclusive functional and genetic evidence.

Blueprint Genetics
Classification: Likely benign. Last evaluated: 2023-08-31. Review status: criteria provided, single submitter. Criteria: ACMG Guidelines, 2015. Collection method: clinical testing. Allele origin: germline.